The following is an entry in ClinVar:

NC_000007.13:g.(?_147336188)_(147336408_?)dup

Gene: CNTNAP2 (contactin associated protein 2; plus strand). Cytogenetic location: 7q35.
Variant type: Duplication.
Identifiers: ClinVar variation 1004172 (VCV001004172.1).

ClinVar aggregate classification (germline): Uncertain significance (1 of 4 stars; one submission).

Conditions:
Cortical dysplasia-focal epilepsy syndrome (PTHSL1). Also called: Pitt-Hopkins-like syndrome 1. Identifiers: Orphanet 163681, Orphanet 221150, MedGen C2750246, MONDO:0012400, OMIM 610042.

Submission:

Labcorp Genetics (formerly Invitae), Labcorp
Classification: Uncertain significance for Cortical dysplasia-focal epilepsy syndrome. Last evaluated: 2020-10-09. Review status: criteria provided, single submitter. Criteria: Invitae Variant Classification Sherloc (09022015). Collection method: clinical testing. Allele origin: germline.
Comment: This variant results in a copy number gain of the genomic region encompassing exon(s) 13 of the CNTNAP2 gene. While the exact position of this variant cannot be determined from the data, sub-genic copy number gains are generally in tandem (PMID: 25640679). This variant is predicted to be in-frame, and likely preserves the integrity of the reading frame. This variant has not been reported in the literature in individuals with CNTNAP2-related conditions. Experimental studies and prediction algorithms are not available or were not evaluated, and the functional significance of this variant is currently unknown. In summary, the available evidence is currently insufficient to determine the role of this variant in disease. Therefore, it has been classified as a Variant of Uncertain Significance.

Literature cited by the submitters: PubMed 25640679.